The following is an entry in ClinVar:

NM_001065.4(TNFRSF1A):c.638T>C (p.Leu213Pro)

Gene: TNFRSF1A (TNF receptor superfamily member 1A; minus strand). Cytogenetic location: 12p13.31.
Variant type: single nucleotide variant.
Coding change: c.638T>C on transcript NM_001065.4 (MANE Select); coding-DNA position 638, T replaced by C.
Protein change: p.Leu213Pro; replaces leucine 213 with proline.
Molecular consequence: missense variant. On other transcripts: non-coding transcript variant (1).
Genome position (GRCh38, 1-based): chr12:6,330,699, A>G on the plus strand (T>C on the coding strand, the complement: TNFRSF1A is on the minus strand). VCF-style: chr12-6330699-A-G. GRCh37 (hg19) VCF-style: chr12-6439865-A-G.
Other names: c.314T>C, p.Leu105Pro (NM_001346091.2); c.179T>C, p.Leu60Pro (NM_001346092.2); short protein forms L105P, L213P, L60P.
Identifiers: ClinVar variation 946911 (VCV000946911.1), dbSNP rs1948038793, ClinGen allele CA383547843.
Genomic context (GRCh38, chr12:6,330,699, plus strand): 5'-ATTAAACCAATGAAGAGGAGGGATAAAAGGCAAAGACCAAAGAAAATGACCAGGGGCAAC[A>G]GCACTGTGGTGCCTGCAGACAAAGCAGGTGTTGGTCAGAGGAGCGGGCAGAGGGGGGCCG-3'
Protein context (NP_001056.1, residues 203-223): KGTEDSGTTV[Leu213Pro]LPLVIFFGLC

ClinVar aggregate classification (germline): Uncertain significance (1 of 4 stars; one submission).

Conditions:
TNF receptor-associated periodic fever syndrome (TRAPS) (FPF). Also called: TNF RECEPTOR-ASSOCIATED PERIODIC SYNDROME; TUMOR NECROSIS FACTOR RECEPTOR-ASSOCIATED PERIODIC SYNDROME; TNF Receptor-Associated Periodic Fever Syndrome; FAMILIAL HIBERNIAN FEVER; TNF receptor 1-associated periodic fever syndrome; Autosomal Dominant Familial Periodic Fever. Identifiers: Orphanet 32960, MedGen C1275126, MONDO:0007727, OMIM 142680.

Submission:

Labcorp Genetics (formerly Invitae), Labcorp
Classification: Uncertain significance for TNF receptor-associated periodic fever syndrome (TRAPS). Last evaluated: 2019-08-15. Review status: criteria provided, single submitter. Criteria: Invitae Variant Classification Sherloc (09022015). Collection method: clinical testing. Allele origin: germline.
Comment: This sequence change replaces leucine with proline at codon 213 of the TNFRSF1A protein (p.Leu213Pro). The leucine residue is moderately conserved and there is a moderate physicochemical difference between leucine and proline. This variant is not present in population databases (ExAC no frequency). This variant has not been reported in the literature in individuals with TNFRSF1A-related conditions. Algorithms developed to predict the effect of missense changes on protein structure and function are either unavailable or do not agree on the potential impact of this missense change (SIFT: "Tolerated"; PolyPhen-2: "Probably Damaging"; Align-GVGD: "Class C0"). In summary, the available evidence is currently insufficient to determine the role of this variant in disease. Therefore, it has been classified as a Variant of Uncertain Significance.